The following is an entry in ClinVar:

ClinVar aggregate classification (germline): Uncertain significance (1 of 4 stars; one submission).

Submission:

Labcorp Genetics (formerly Invitae), Labcorp
Classification: Uncertain significance. Last evaluated: 2024-04-22. Review status: criteria provided, single submitter. Criteria: Invitae Variant Classification Sherloc (09022015). Collection method: clinical testing. Allele origin: germline.
Comment: This sequence change replaces cysteine, which is neutral and slightly polar, with arginine, which is basic and polar, at codon 103 of the LZTR1 protein (p.Cys103Arg). This variant is not present in population databases (gnomAD no frequency). This variant has not been reported in the literature in individuals affected with LZTR1-related conditions. ClinVar contains an entry for this variant (Variation ID: 1054550). Advanced modeling of protein sequence and biophysical properties (such as structural, functional, and spatial information, amino acid conservation, physicochemical variation, residue mobility, and thermodynamic stability) performed at Invitae indicates that this missense variant is not expected to disrupt LZTR1 protein function with a negative predictive value of 80%. In summary, the available evidence is currently insufficient to determine the role of this variant in disease. Therefore, it has been classified as a Variant of Uncertain Significance.

NM_006767.4(LZTR1):c.307T>C (p.Cys103Arg)

Gene: LZTR1 (leucine zipper like post translational regulator 1; plus strand). Cytogenetic location: 22q11.21.
Variant type: single nucleotide variant.
Coding change: c.307T>C on transcript NM_006767.4 (MANE Select); coding-DNA position 307, T replaced by C.
Protein change: p.Cys103Arg; replaces cysteine 103 with arginine.
Molecular consequence: missense variant.
Genome position (GRCh38, 1-based): chr22:20,985,884, T>C. VCF-style: chr22-20985884-T-C. GRCh37 (hg19) VCF-style: chr22-21340173-T-C.
Other names: short protein forms C103R.
Identifiers: ClinVar variation 1054550 (VCV001054550.9), dbSNP rs2147959820, ClinGen allele CA410778879.